The following is an entry in ClinVar:

ClinVar aggregate classification (germline): Uncertain significance (1 of 4 stars; one submission).

Conditions:
SIX1-related disorder. Also called: SIX1-related condition.

gnomAD v4.1: 4 of 1,613,802 alleles (0.00025%); highest among the groups gnomAD compares: African/African-American, 0.0053%; no homozygotes.

Submission:

PreventionGenetics, part of Exact Sciences
Classification: Uncertain significance for SIX1-related condition. Last evaluated: 2026-04-07. Review status: criteria provided, single submitter. Criteria: ACMG Guidelines, 2015. Collection method: clinical testing. Allele origin: germline.
Comment: The SIX1 c.775G>C variant is predicted to result in the amino acid substitution p.Gly259Arg. To our knowledge, this variant has not been reported in the literature. This variant is reported in 0.0080% of alleles in individuals of African descent in gnomAD. At this time, the clinical significance of this variant is uncertain due to the absence of conclusive functional and genetic evidence.

NM_005982.4(SIX1):c.775G>C (p.Gly259Arg)

Gene: SIX1 (SIX homeobox 1; minus strand). Cytogenetic location: 14q23.1.
Variant type: single nucleotide variant.
Coding change: c.775G>C on transcript NM_005982.4 (MANE Select); coding-DNA position 775, G replaced by C.
Protein change: p.Gly259Arg; replaces glycine 259 with arginine.
Molecular consequence: missense variant. On other transcripts: 3 prime UTR variant (1).
Genome position (GRCh38, 1-based): chr14:60,646,363, C>G on the plus strand (G>C on the coding strand, the complement: SIX1 is on the minus strand). VCF-style: chr14-60646363-C-G. GRCh37 (hg19) VCF-style: chr14-61113081-C-G.
Other names: c.*194G>C (NM_001425142.1); short protein forms G259R.
Identifiers: ClinVar variation 5001031 (VCV005001031.1).